The following is an entry in ClinVar:

ClinVar aggregate classification (germline): Uncertain significance (1 of 4 stars; one submission).

gnomAD v4.1: 10 of 1,211,369 alleles (0.00083%); highest among the groups gnomAD compares: Non-Finnish European, 0.0011%; no homozygotes.

Submission:

Labcorp Genetics (formerly Invitae), Labcorp
Classification: Uncertain significance. Last evaluated: 2024-09-24. Review status: criteria provided, single submitter. Criteria: Invitae Variant Classification Sherloc (09022015). Collection method: clinical testing. Allele origin: germline.
Comment: This sequence change replaces valine, which is neutral and non-polar, with glycine, which is neutral and non-polar, at codon 944 of the DRP2 protein (p.Val944Gly). This variant is not present in population databases (gnomAD no frequency). This variant has not been reported in the literature in individuals affected with DRP2-related conditions. An algorithm developed to predict the effect of missense changes on protein structure and function (PolyPhen-2) suggests that this variant is likely to be tolerated. In summary, the available evidence is currently insufficient to determine the role of this variant in disease. Therefore, it has been classified as a Variant of Uncertain Significance.

NM_001939.3(DRP2):c.2831T>G (p.Val944Gly)

Gene: DRP2 (dystrophin related protein 2; plus strand). Cytogenetic location: Xq22.1.
Variant type: single nucleotide variant.
Coding change: c.2831T>G on transcript NM_001939.3 (MANE Select); coding-DNA position 2831, T replaced by G.
Protein change: p.Val944Gly; replaces valine 944 with glycine.
Molecular consequence: missense variant.
Genome position (GRCh38, 1-based): chrX:101,260,578, T>G. VCF-style: chrX-101260578-T-G. GRCh37 (hg19) VCF-style: chrX-100515567-T-G.
Other names: c.2597T>G, p.Val866Gly (NM_001171184.2); short protein forms V866G, V944G.
Identifiers: ClinVar variation 3682790 (VCV003682790.2).